The following is an entry in ClinVar:

NM_181507.2(HPS5):c.2393dup (p.Tyr798Ter)

Gene: HPS5 (HPS5 biogenesis of lysosomal organelles complex 2 subunit 2; minus strand). Cytogenetic location: 11p15.1.
Variant type: Duplication.
Coding change: c.2393dup on transcript NM_181507.2 (MANE Select); coding-DNA position 2393, one base duplicated (A; older notation c.2393dupA).
Protein change: p.Tyr798Ter; replaces tyrosine 798 with a stop codon.
Molecular consequence: nonsense. On other transcripts: frameshift variant (1).
Genome position (GRCh38, 1-based): chr11:18,291,489, T duplicated on the plus strand (A on the coding strand, the reverse complement: HPS5 is on the minus strand). VCF-style (leftmost placement, unchanged base first): chr11-18291488-G-GT. GRCh37 (hg19) VCF-style: chr11-18313035-G-GT.
Other names: c.2051dup, p.Tyr684Ter (NM_007216.4); c.2051dup, p.Tyr684Terfs (NM_181508.2); short protein forms Y684*, Y798*.
Identifiers: ClinVar variation 3631119 (VCV003631119.2).

ClinVar aggregate classification (germline): Pathogenic (1 of 4 stars; one submission).

Submission:

Labcorp Genetics (formerly Invitae), Labcorp
Classification: Pathogenic. Last evaluated: 2024-12-23. Review status: criteria provided, single submitter. Criteria: Invitae Variant Classification Sherloc (09022015). Collection method: clinical testing. Allele origin: germline.
Comment: This sequence change creates a premature translational stop signal (p.Tyr798*) in the HPS5 gene. It is expected to result in an absent or disrupted protein product. Loss-of-function variants in HPS5 are known to be pathogenic (PMID: 12548288, 15296495, 21833017, 26785811). This variant is not present in population databases (gnomAD no frequency). This variant has not been reported in the literature in individuals affected with HPS5-related conditions. Algorithms developed to predict the effect of sequence changes on RNA splicing suggest that this variant may disrupt the consensus splice site. For these reasons, this variant has been classified as Pathogenic.

Literature cited by the submitters: PubMed 12548288; PubMed 15296495; PubMed 21833017; PubMed 26785811.